The following is an entry in ClinVar:

NM_018699.4(PRDM5):c.208A>G (p.Ile70Val)

Gene: PRDM5 (PR/SET domain 5; minus strand). Cytogenetic location: 4q27.
Variant type: single nucleotide variant.
Coding change: c.208A>G on transcript NM_018699.4 (MANE Select); coding-DNA position 208, A replaced by G.
Protein change: p.Ile70Val; replaces isoleucine 70 with valine.
Molecular consequence: missense variant.
Genome position (GRCh38, 1-based): chr4:120,853,510, T>C on the plus strand (A>G on the coding strand, the complement: PRDM5 is on the minus strand). VCF-style: chr4-120853510-T-C. GRCh37 (hg19) VCF-style: chr4-121774665-T-C.
Other names: c.208A>G, p.Ile70Val (NM_001300823.2, NM_001300824.2, NM_001379104.1 and 1 more transcripts); short protein forms I70V.
Identifiers: ClinVar variation 3783078 (VCV003783078.1).

ClinVar aggregate classification (germline): Uncertain significance (1 of 4 stars; one submission).

Conditions:
Cardiovascular phenotype. Identifiers: MedGen CN230736.

gnomAD v4.1: 18 of 1,613,616 alleles (0.0011%); highest among the groups gnomAD compares: Non-Finnish European, 0.0014%; no homozygotes.

Submission:

Ambry Genetics
Classification: Uncertain significance for Cardiovascular phenotype. Last evaluated: 2025-01-21. Review status: criteria provided, single submitter. Criteria: Ambry Variant Classification Scheme 2023. Collection method: clinical testing. Allele origin: germline.
Comment: The p.I70V variant (also known as c.208A>G), located in coding exon 3 of the PRDM5 gene, results from an A to G substitution at nucleotide position 208. The isoleucine at codon 70 is replaced by valine, an amino acid with highly similar properties. This amino acid position is conserved. In addition, this alteration is predicted to be tolerated by in silico analysis. Based on the available evidence, the clinical significance of this variant remains unclear.